The following is an entry in ClinVar:

NM_005689.4(ABCB6):c.1942C>T (p.Arg648Ter)

Gene: ABCB6 (ATP binding cassette subfamily B member 6 (LAN blood group); minus strand). Cytogenetic location: 2q35.
Variant type: single nucleotide variant.
Coding change: c.1942C>T on transcript NM_005689.4 (MANE Select); coding-DNA position 1942, C replaced by T.
Protein change: p.Arg648Ter; replaces arginine 648 with a stop codon.
Molecular consequence: nonsense.
Genome position (GRCh38, 1-based): chr2:219,212,413, G>A on the plus strand (C>T on the coding strand, the complement: ABCB6 is on the minus strand). VCF-style: chr2-219212413-G-A. GRCh37 (hg19) VCF-style: chr2-220077135-G-A.
Other names: c.1804C>T, p.Arg602Ter (NM_001349828.2); short protein forms R648*, R602*.
Identifiers: ClinVar variation 30479 (VCV000030479.4), dbSNP rs376664522, ClinGen allele CA129258.

ClinVar aggregate classification (germline): Uncertain significance. Review status: criteria provided, single submitter (1 of 4 stars). 2 submissions from 2 submitters: Uncertain significance (1). 1 of the submissions does not count toward it. Last evaluated 2024-07-20.

Conditions:
Langereis blood group. Also called: LANGEREIS BLOOD GROUP SYSTEM, LAN(-) PHENOTYPE. Identifiers: MedGen C3276339, OMIM 111600.

Allele frequency attached by ClinVar (database versions not stated): gnomAD exomes 0.00003 and 0.00008; ExAC 0.00004; gnomAD 0.00007 and 0.00008; TOPMed 0.00007; ESP Exome Variant Server 0.00008.
gnomAD v4.1: 131 of 1,613,964 alleles (0.0081%); highest among the groups gnomAD compares: Admixed American, 0.012%; no homozygotes.

Submissions (2):

Labcorp Genetics (formerly Invitae), Labcorp
Classification: Uncertain significance. Last evaluated: 2024-07-20. Review status: criteria provided, single submitter. Criteria: Invitae Variant Classification Sherloc (09022015). Collection method: clinical testing. Allele origin: germline.
Comment: This sequence change creates a premature translational stop signal (p.Arg648*) in the ABCB6 gene. It is expected to result in an absent or disrupted protein product. However, the current clinical and genetic evidence is not sufficient to establish whether loss-of-function variants in ABCB6 cause disease. This variant is present in population databases (rs376664522, gnomAD 0.007%). This variant has not been reported in the literature in individuals affected with ABCB6-related conditions. ClinVar contains an entry for this variant (Variation ID: 30479). Algorithms developed to predict the effect of sequence changes on RNA splicing suggest that this variant may disrupt the consensus splice site. In summary, the available evidence is currently insufficient to determine the role of this variant in disease. Therefore, it has been classified as a Variant of Uncertain Significance.

OMIM
Classification: Affects for LANGEREIS BLOOD GROUP SYSTEM, LAN(-) PHENOTYPE. Last evaluated: 2012-01-15. Review status: no assertion criteria provided. Collection method: literature only. Allele origin: germline. Not counted in ClinVar's aggregate classification.

Literature cited by the submitters: PubMed 22246506 (cited by OMIM).